The following is an entry in ClinVar:

NM_000283.4(PDE6B):c.543G>A (p.Met181Ile)

Gene: PDE6B (phosphodiesterase 6B; plus strand). Cytogenetic location: 4p16.3.
Variant type: single nucleotide variant.
Coding change: c.543G>A on transcript NM_000283.4 (MANE Select); coding-DNA position 543, G replaced by A.
Protein change: p.Met181Ile; replaces methionine 181 with isoleucine.
Molecular consequence: missense variant.
Genome position (GRCh38, 1-based): chr4:634,751, G>A. VCF-style: chr4-634751-G-A. GRCh37 (hg19) VCF-style: chr4-628540-G-A.
Other names: c.543G>A, p.Met181Ile (NM_001145291.2); short protein forms M181I.
Identifiers: ClinVar variation 1407512 (VCV001407512.6), dbSNP rs2109133232, ClinGen allele CA355908253.

ClinVar aggregate classification (germline): Uncertain significance (1 of 4 stars; one submission).

Submission:

Labcorp Genetics (formerly Invitae), Labcorp
Classification: Uncertain significance. Last evaluated: 2022-06-13. Review status: criteria provided, single submitter. Criteria: Invitae Variant Classification Sherloc (09022015). Collection method: clinical testing. Allele origin: germline.
Comment: In summary, the available evidence is currently insufficient to determine the role of this variant in disease. Therefore, it has been classified as a Variant of Uncertain Significance. Algorithms developed to predict the effect of missense changes on protein structure and function (SIFT, PolyPhen-2, Align-GVGD) all suggest that this variant is likely to be tolerated. This variant has not been reported in the literature in individuals affected with PDE6B-related conditions. This variant is not present in population databases (gnomAD no frequency). This sequence change replaces methionine, which is neutral and non-polar, with isoleucine, which is neutral and non-polar, at codon 181 of the PDE6B protein (p.Met181Ile).